The following is an entry in ClinVar:

ClinVar aggregate classification (germline): Likely pathogenic (1 of 4 stars; one submission).

Conditions:
Congenital disorder of glycosylation with defective fucosylation 2 (CDGF2). Identifiers: MedGen C5193028, MONDO:0020777, OMIM 618324.

Submission:

First Genomix Gene Laboratory, Genetic Diagnostics Department
Classification: Likely pathogenic for Congenital disorder of glycosylation with defective fucosylation 2. Last evaluated: 2025-03-20. Review status: criteria provided, single submitter. Criteria: ACMG Guidelines, 2015. Collection method: clinical testing. Allele origin: germline. Inheritance: Autosomal recessive inheritance. Affected: no. Observed: 1 variant allele.

NM_145059.3(FCSK):c.860del (p.Pro287fs)

Gene: FCSK (fucose kinase; plus strand). Cytogenetic location: 16q22.1.
Variant type: Deletion.
Coding change: c.860del on transcript NM_145059.3 (MANE Select); coding-DNA position 860, one base deleted (C; older notation c.860delC).
Protein change: p.Pro287fs; shifts the reading frame from proline 287.
Molecular consequence: frameshift variant.
Genome position (GRCh38, 1-based): chr16:70,469,228, C deleted; the last of 5 consecutive C bases (chr16:70,469,224-70,469,228); deleting any one gives the same sequence. VCF-style (leftmost placement, unchanged base first): chr16-70469223-GC-G. GRCh37 (hg19) VCF-style: chr16-70503126-GC-G.
Other names: c.860delC (NM_145059.3); short protein forms P287fs.
Identifiers: ClinVar variation 4845770 (VCV004845770.1).
Genomic context (GRCh38, chr16:70,469,223, plus strand): 5'-TTTTGACATTCTCCACTGCATGGCTGAGAACGTGACCAGGGAGGACTTCCTGGTGGGGAG[GC>G]CCCCAGAGTTGGGGCAAGGCGATGCAGATGTAGCGGGTTATCTGCAGAGCGCCCGGGCCC-3'